The following is an entry in ClinVar:

ClinVar aggregate classification (germline): Uncertain significance (1 of 4 stars; one submission).

Conditions:
Hereditary cancer-predisposing syndrome. Also called: Neoplastic Syndromes, Hereditary; Tumor predisposition; Hereditary neoplastic syndrome; Hereditary Cancer Syndrome. Identifiers: Orphanet 140162, MedGen C0027672, MeSH D009386, MONDO:0015356.

gnomAD v4.1: 2 of 1,605,174 alleles (0.00012%); highest among the groups gnomAD compares: South Asian, 0.0011%; no homozygotes.

Submission:

Ambry Genetics
Classification: Uncertain significance for Hereditary cancer-predisposing syndrome. Last evaluated: 2022-12-31. Review status: criteria provided, single submitter. Criteria: Ambry Variant Classification Scheme 2023. Collection method: clinical testing. Allele origin: germline.
Comment: The p.Q204E variant (also known as c.610C>G), located in coding exon 6 of the EPCAM gene, results from a C to G substitution at nucleotide position 610. The glutamine at codon 204 is replaced by glutamic acid, an amino acid with highly similar properties. This amino acid position is conserved. In addition, this alteration is predicted to be tolerated by in silico analysis. Since supporting evidence is limited at this time, the clinical significance of this alteration remains unclear.

NM_002354.3(EPCAM):c.610C>G (p.Gln204Glu)

Gene: EPCAM (epithelial cell adhesion molecule; plus strand). Cytogenetic location: 2p21.
Variant type: single nucleotide variant.
Coding change: c.610C>G on transcript NM_002354.3 (MANE Select); coding-DNA position 610, C replaced by G.
Protein change: p.Gln204Glu; replaces glutamine 204 with glutamic acid.
Molecular consequence: missense variant.
Genome position (GRCh38, 1-based): chr2:47,379,007, C>G. VCF-style: chr2-47379007-C-G. GRCh37 (hg19) VCF-style: chr2-47606146-C-G.
Other names: short protein forms Q204E.
Identifiers: ClinVar variation 2452157 (VCV002452157.2), dbSNP rs1428265513, ClinGen allele CA346724201.